The following is an entry in ClinVar:

ClinVar aggregate classification (germline): Uncertain significance (1 of 4 stars; one submission).

Submission:

GeneDx
Classification: Uncertain significance. Last evaluated: 2025-04-03. Review status: criteria provided, single submitter. Criteria: GeneDx Variant Classification Process June 2021. Collection method: clinical testing. Allele origin: germline. Affected: yes.
Comment: Not observed at significant frequency in large population cohorts (gnomAD); In-frame deletion of 1 amino acid in a non-repeat region; In silico analysis supports a deleterious effect on protein structure/function; Has not been previously published as pathogenic or benign to our knowledge

NM_138383.3(MTSS2):c.1851_1853del (p.Tyr618del)

Gene: MTSS2 (MTSS I-BAR domain containing 2; minus strand). Cytogenetic location: 16q22.1.
Variant type: Deletion.
Coding change: c.1851_1853del on transcript NM_138383.3 (MANE Select); coding-DNA positions 1851 to 1853, 3 bases deleted (CTA; older notation c.1851_1853delCTA).
Protein change: p.Tyr618del; deletes tyrosine 618.
Molecular consequence: inframe deletion.
Genome position (GRCh38, 1-based): chr16:70,664,068-70,664,070, TAG deleted on the plus strand (CTA on the coding strand, the reverse complement: MTSS2 is on the minus strand). VCF-style (leftmost placement, unchanged base first): chr16-70664067-ATAG-A. GRCh37 (hg19) VCF-style: chr16-70697970-ATAG-A.
Other names: short protein forms Y618del.
Identifiers: ClinVar variation 4278872 (VCV004278872.1).